The following is an entry in ClinVar:

ClinVar aggregate classification (germline): Likely benign (1 of 4 stars; one submission).

Allele frequency attached by ClinVar (database versions not stated): 1000 Genomes Project 0.00220; 1000 Genomes Project 30x 0.00250; TOPMed 0.00342; ESP Exome Variant Server 0.00391; gnomAD 0.00401.
gnomAD v4.1: 6,111 of 1,610,804 alleles (0.38%); highest among the groups gnomAD compares: Non-Finnish European, 0.44%; 20 homozygotes.

Submission:

CeGaT Center for Human Genetics Tuebingen
Classification: Likely benign. Last evaluated: 2022-11-01. Review status: criteria provided, single submitter. Criteria: CeGaT Center For Human Genetics Tuebingen Variant Classification Criteria Version 2. Collection method: clinical testing. Allele origin: germline. Affected: yes. Observed: 1 variant allele.
Comment: SEMA4B: BP4, BS2

NM_198925.4(SEMA4B):c.519G>C (p.Lys173Asn)

Gene: SEMA4B (semaphorin 4B; plus strand). Cytogenetic location: 15q26.1.
Variant type: single nucleotide variant.
Coding change: c.519G>C on transcript NM_198925.4 (MANE Select); coding-DNA position 519, G replaced by C.
Protein change: p.Lys173Asn; replaces lysine 173 with asparagine.
Molecular consequence: missense variant. On other transcripts: non-coding transcript variant (1).
Genome position (GRCh38, 1-based): chr15:90,221,017, G>C. VCF-style: chr15-90221017-G-C. GRCh37 (hg19) VCF-style: chr15-90764249-G-C.
Other names: c.287G>C, p.Arg96Thr (NM_001324029.3); c.51G>C, p.Lys17Asn (NM_001324030.3, NM_001324033.3); c.519G>C, p.Lys173Asn (NM_001324031.4, NM_001324032.3, NM_001324034.3 and 2 more transcripts); short protein forms K173N, K17N, R96T.
Identifiers: ClinVar variation 2645704 (VCV002645704.24), dbSNP rs150569383, ClinGen allele CA7733490.